The following is an entry in ClinVar:

ClinVar aggregate classification (germline): Benign/Likely benign. Review status: criteria provided, multiple submitters, no conflicts (2 of 4 stars). 3 submissions from 3 submitters: Benign (1); Likely benign (2). Last evaluated 2024-11-15.

Conditions:
Familial cancer of breast. Also called: Hereditary breast cancer; hereditary breast carcinoma; BREAST CANCER, FAMILIAL. Identifiers: Orphanet 227535, MedGen C0346153, MONDO:0016419, OMIM 114480. Disease mechanism: loss of function.
Hereditary cancer-predisposing syndrome. Also called: Neoplastic Syndromes, Hereditary; Tumor predisposition; Hereditary neoplastic syndrome; Hereditary Cancer Syndrome. Identifiers: Orphanet 140162, MedGen C0027672, MeSH D009386, MONDO:0015356.
Ataxia-telangiectasia syndrome (AT). Also called: Ataxia telangiectasia (A-T); ATAXIA-TELANGIECTASIA, COMPLEMENTATION GROUP A; ATAXIA-TELANGIECTASIA, FRESNO VARIANT; Ataxia-telangiectasia; Ataxia-telangiectasia, complementation group E; Cerebello-oculocutaneous telangiectasia. Identifiers: Orphanet 100, MedGen C0004135, MONDO:0008840, OMIM 208900.

Submissions (3):

Labcorp Genetics (formerly Invitae), Labcorp
Classification: Likely benign for Ataxia-telangiectasia syndrome. Last evaluated: 2024-11-15. Review status: criteria provided, single submitter. Criteria: Invitae Variant Classification Sherloc (09022015). Collection method: clinical testing. Allele origin: germline.

Myriad Genetics, Inc.
Classification: Benign for Familial cancer of breast. Last evaluated: 2024-04-25. Review status: criteria provided, single submitter. Criteria: Myriad Autosomal Dominant, Autosomal Recessive and X-Linked Classification Criteria (2023). Collection method: clinical testing. Allele origin: unknown.
Comment: This variant is considered benign. This variant is a silent/synonymous amino acid change and it is not expected to impact splicing.

Ambry Genetics
Classification: Likely benign for Hereditary cancer-predisposing syndrome. Last evaluated: 2023-06-28. Review status: criteria provided, single submitter. Criteria: Ambry Variant Classification Scheme 2023. Collection method: clinical testing. Allele origin: germline.

NM_000051.4(ATM):c.1194T>C (p.Asp398=)

Gene: ATM (ATM serine/threonine kinase; plus strand). Cytogenetic location: 11q22.3.
Variant type: single nucleotide variant.
Coding change: c.1194T>C on transcript NM_000051.4 (MANE Select); coding-DNA position 1194, T replaced by C.
Protein change: p.Asp398=; no amino-acid change (aspartic acid 398 retained).
Molecular consequence: synonymous variant.
Genome position (GRCh38, 1-based): chr11:108,249,061, T>C. VCF-style: chr11-108249061-T-C. GRCh37 (hg19) VCF-style: chr11-108119788-T-C.
Other names: c.1194T>C (NM_000051.3); c.1194T>C, p.Asp398= (NM_001351834.2).
Identifiers: ClinVar variation 1547872 (VCV001547872.10), dbSNP rs551872656, ClinGen allele CA228389873.
Genomic context (GRCh38, chr11:108,249,061, plus strand): 5'-TGATTACAGTGTCCCTTGCAAAAGGAAGAAAATAGAACTAGGCTGGGAAGTAATAAAAGA[T>C]CACCTTCAGAAGTCACAGAATGATTTTGATCTTGTGCCTTGGTAAAGTGTTACCATTTTC-3'
Protein context (NP_000042.3, residues 388-408): KIELGWEVIK[Asp398=]HLQKSQNDFD